The following is an entry in ClinVar:

ClinVar aggregate classification (germline): Likely pathogenic (1 of 4 stars; one submission).
ClinVar aggregate classification (oncogenicity): Likely oncogenic (1 of 4 stars; one submission).

Conditions:
Isolated focal cortical dysplasia type II (FCORD2). Also called: CORTICAL DYSPLASIA OF TAYLOR; Focal cortical dysplasia type II. Identifiers: Orphanet 268994, MedGen C1846385, MONDO:0011818, OMIM 607341, HP:0032051.
Neoplasm. Also called: Neoplasms; Neoplasm (disease); tumor. Identifiers: MedGen C0027651, MeSH D009369, MONDO:0005070, HP:0002664.

Submissions (2):

Clinical Genomics Laboratory, Washington University in St. Louis
Classification: Likely pathogenic for Isolated focal cortical dysplasia type II. Last evaluated: 2025-05-08. Review status: criteria provided, single submitter. Criteria: Leon-Quintero et al. (Clin Genet. 2025). Collection method: clinical testing. Allele origin: somatic. Affected: yes.
Comment: The MTOR c.5917A>T (p.Ile1973Phe) variant was identified at an allelic fraction consistent with somatic origin. This variant has been reported in a somatic state in a single individual with brain malformations including hemimegalencephaly, and hypopigmented skin lesions (Resta N et al., PMID: 34234302). This variant has also been reported in several cancer cases in the cancer database COSMIC (COSMIC ID: COSV63873321). This variant is absent in the general population (gnomAD v.4.1.0), indicating it is not a common variant. This variant resides within the kinase region, between amino acids 1382-1982, of MTOR that is identified as a critical functional domain (Lai A et al., PMID 35997716). Computational predictors indicate that the variant is damaging, evidence that correlates with impact on MTOR function. In support of this prediction, in vitro functional studies from patient-derived cells with the p.Ile1973Phe variant showed activation of signaling by mTOR complexes 1/2 (mTORC1/2) and increased phosphorylation of AKT (Resta N et al., PMID: 34234302). The MTOR gene is defined by the ClinGen's Brain Malformations expert panel as a gene that has a low rate of benign missense variation and where pathogenic missense variants are a common mechanism of disease (Lai A et al., PMID: 35997716). Based on an internally developed protocol informed by the ACMG/AMP guidelines (Leon-Quintero FZ, et al., PMID: 39434542) and the ClinGen Brain Malformation Variant Curation Expert Panel (Lai A et al, PMID: 35997716), the MTOR c.5917A>T (p.Ile1973Phe) variant is classified as likely pathogenic.

Center for Genomic Medicine, Rigshospitalet, Copenhagen University Hospital
Classification: Likely oncogenic for Neoplasm. Last evaluated: 2025-03-04. Review status: criteria provided, single submitter. Criteria: ClinGen/CGC/VICC Guidelines for Oncogenicity, 2022. Collection method: clinical testing. Allele origin: somatic. Affected: yes.

Literature cited by the submitters: PubMed 27482884 (cited by Center for Genomic Medicine, Rigshospitalet, Copenhagen University Hospital).

NM_004958.4(MTOR):c.5917A>T (p.Ile1973Phe)

Gene: MTOR (mechanistic target of rapamycin kinase; minus strand). Cytogenetic location: 1p36.22.
Variant type: single nucleotide variant.
Coding change: c.5917A>T on transcript NM_004958.4 (MANE Select); coding-DNA position 5917, A replaced by T.
Protein change: p.Ile1973Phe; replaces isoleucine 1973 with phenylalanine.
Molecular consequence: missense variant.
Genome position (GRCh38, 1-based): chr1:11,128,120, T>A on the plus strand (A>T on the coding strand, the complement: MTOR is on the minus strand). VCF-style: chr1-11128120-T-A. GRCh37 (hg19) VCF-style: chr1-11188177-T-A.
Other names: c.5917A>T, p.Ile1973Phe (NM_001386500.1); c.4669A>T, p.Ile1557Phe (NM_001386501.1); short protein forms I1557F, I1973F.
Identifiers: ClinVar variation 3764881 (VCV003764881.2).